The following is an entry in ClinVar:

NM_005633.4(SOS1):c.2945G>A (p.Arg982Gln)

Gene: SOS1 (SOS Ras/Rac guanine nucleotide exchange factor 1; minus strand). Cytogenetic location: 2p22.1.
Variant type: single nucleotide variant.
Coding change: c.2945G>A on transcript NM_005633.4 (MANE Select); coding-DNA position 2945, G replaced by A.
Protein change: p.Arg982Gln; replaces arginine 982 with glutamine.
Molecular consequence: missense variant.
Genome position (GRCh38, 1-based): chr2:38,997,272, C>T on the plus strand (G>A on the coding strand, the complement: SOS1 is on the minus strand). VCF-style: chr2-38997272-C-T. GRCh37 (hg19) VCF-style: chr2-39224413-C-T.
Other names: c.2924G>A, p.Arg975Gln (NM_001382394.1); c.2945G>A, p.Arg982Gln (NM_001382395.1); short protein forms R982Q, R975Q.
Identifiers: ClinVar variation 496301 (VCV000496301.8), dbSNP rs1553351453, ClinGen allele CA346361609.

ClinVar aggregate classification (germline): Conflicting classifications of pathogenicity. Review status: criteria provided, conflicting classifications (1 of 4 stars). 5 submissions from 4 submitters: Uncertain significance (4); Likely benign (1). Last evaluated 2025-02-19.

Conditions:
Cardiovascular phenotype. Identifiers: MedGen CN230736.
RASopathy. Also called: Noonan spectrum disorder; rasopathies. Identifiers: Orphanet 536391, MedGen C5555857, MONDO:0021060.
Noonan syndrome 4 (NS4). Also called: SOS1-Related Noonan Syndrome; NOONAN SYNDROME WITH PIGMENTED VILLONODULAR SYNOVITIS. Identifiers: Orphanet 648, MedGen C1853120, MONDO:0012547, OMIM 610733.
Fibromatosis, gingival, 1 (GINGF1). Identifiers: Orphanet 2024, MedGen C4551558, MONDO:0007609, OMIM 135300.

Allele frequency attached by ClinVar (database versions not stated): gnomAD 0.00001.
gnomAD v4.1: 4 of 1,610,690 alleles (0.00025%); highest among the groups gnomAD compares: Non-Finnish European, 0.00034%; no homozygotes.

Submissions (5):

Ambry Genetics
Classification: Likely benign for Cardiovascular phenotype. Last evaluated: 2025-02-19. Review status: criteria provided, single submitter. Criteria: Ambry Variant Classification Scheme 2023. Collection method: clinical testing. Allele origin: germline.

Labcorp Genetics (formerly Invitae), Labcorp
Classification: Uncertain significance for RASopathy. Last evaluated: 2022-11-22. Review status: criteria provided, single submitter. Criteria: Invitae Variant Classification Sherloc (09022015). Collection method: clinical testing. Allele origin: germline.
Comment: This sequence change replaces arginine, which is basic and polar, with glutamine, which is neutral and polar, at codon 982 of the SOS1 protein (p.Arg982Gln). This variant is not present in population databases (gnomAD no frequency). This missense change has been observed in individual(s) with clinical features of Noonan syndrome (PMID: 29907801). ClinVar contains an entry for this variant (Variation ID: 496301). Advanced modeling of protein sequence and biophysical properties (such as structural, functional, and spatial information, amino acid conservation, physicochemical variation, residue mobility, and thermodynamic stability) performed at Invitae indicates that this missense variant is not expected to disrupt SOS1 protein function. In summary, the available evidence is currently insufficient to determine the role of this variant in disease. Therefore, it has been classified as a Variant of Uncertain Significance.

Women's Health and Genetics/Laboratory Corporation of America, LabCorp
Classification: Uncertain significance. Last evaluated: 2016-04-12. Review status: criteria provided, single submitter. Criteria: LabCorp Variant Classification Summary - May 2015. Collection method: clinical testing. Allele origin: germline.
Comment: Variant summary: The SOS1 c.2945G>A variant affects a non-conserved nucleotide, resulting in an amino acid change from Arg to Gln. 4/5 in-silico tools predict this variant to be benign. This variant was not found in approximately 121264 control chromosomes from the large and broad populations of ExAC. The variant of interest has not, to our knowledge, been reported in affected individuals via publications and/or reputable databases/clinical laboratories, nor evaluated for functional impact by in vivo/vitro studies. Because of the absence of clinical information and the lack of functional studies, the variant has currently been classified as a variant of uncertain significance (VUS) until additional information becomes available.

Genome-Nilou Lab
Classification: Uncertain significance for Noonan syndrome 4. Review status: criteria provided, single submitter. Criteria: ACMG Guidelines, 2015. Collection method: clinical testing. Allele origin: germline.

Genome-Nilou Lab
Classification: Uncertain significance for Fibromatosis, gingival, 1. Review status: criteria provided, single submitter. Criteria: ACMG Guidelines, 2015. Collection method: clinical testing. Allele origin: germline.

Literature cited by the submitters: PubMed 29907801 (cited by Ambry Genetics and Labcorp Genetics (formerly Invitae), Labcorp).